The following is an entry in ClinVar:

NM_002907.4(RECQL):c.664C>T (p.His222Tyr)

Gene: RECQL (RecQ like helicase; minus strand). Cytogenetic location: 12p12.1.
Variant type: single nucleotide variant.
Coding change: c.664C>T on transcript NM_002907.4 (MANE Select); coding-DNA position 664, C replaced by T.
Protein change: p.His222Tyr; replaces histidine 222 with tyrosine.
Molecular consequence: missense variant.
Genome position (GRCh38, 1-based): chr12:21,483,412, G>A on the plus strand (C>T on the coding strand, the complement: RECQL is on the minus strand). VCF-style: chr12-21483412-G-A. GRCh37 (hg19) VCF-style: chr12-21636346-G-A.
Other names: c.664C>T, p.His222Tyr (NM_032941.3); short protein forms H222Y.
Identifiers: ClinVar variation 1754683 (VCV001754683.2), dbSNP rs2540374528, ClinGen allele CA384126828.

ClinVar aggregate classification (germline): Uncertain significance (1 of 4 stars; one submission).

Allele frequency attached by ClinVar (database versions not stated): gnomAD exomes below 0.00001.
gnomAD v4.1: 1 of 1,605,398 alleles (0.000062%); highest among the groups gnomAD compares: African/African-American, 0.0013%; no homozygotes.

Submission:

Ambry Genetics
Classification: Uncertain significance. Last evaluated: 2021-04-13. Review status: criteria provided, single submitter. Criteria: Ambry Variant Classification Scheme 2023. Collection method: clinical testing. Allele origin: germline.
Comment: The p.H222Y variant (also known as c.664C>T), located in coding exon 5 of the RECQL gene, results from a C to T substitution at nucleotide position 664. The histidine at codon 222 is replaced by tyrosine, an amino acid with similar properties. This amino acid position is highly conserved in available vertebrate species. In addition, this alteration is predicted to be deleterious by in silico analysis. Since supporting evidence is limited at this time, the clinical significance of this alteration remains unclear.